The following is an entry in ClinVar:

NM_000562.3(C8A):c.1417C>G (p.Leu473Val)

Gene: C8A (complement C8 alpha chain; plus strand). Cytogenetic location: 1p32.2.
Variant type: single nucleotide variant.
Coding change: c.1417C>G on transcript NM_000562.3 (MANE Select); coding-DNA position 1417, C replaced by G.
Protein change: p.Leu473Val; replaces leucine 473 with valine.
Molecular consequence: missense variant.
Genome position (GRCh38, 1-based): chr1:56,912,439, C>G. VCF-style: chr1-56912439-C-G. GRCh37 (hg19) VCF-style: chr1-57378112-C-G.
Other names: short protein forms L473V.
Identifiers: ClinVar variation 2010397 (VCV002010397.1), dbSNP rs2522618738, ClinGen allele CA340515967.

ClinVar aggregate classification (germline): Uncertain significance (1 of 4 stars; one submission).

Allele frequency attached by ClinVar (database versions not stated): gnomAD exomes below 0.00001.
gnomAD v4.1: 5 of 1,614,216 alleles (0.00031%); highest among the groups gnomAD compares: African/African-American, 0.0013%; no homozygotes.

Submission:

Labcorp Genetics (formerly Invitae), Labcorp
Classification: Uncertain significance. Last evaluated: 2022-06-24. Review status: criteria provided, single submitter. Criteria: Invitae Variant Classification Sherloc (09022015). Collection method: clinical testing. Allele origin: germline.
Comment: This sequence change replaces leucine, which is neutral and non-polar, with valine, which is neutral and non-polar, at codon 473 of the C8A protein (p.Leu473Val). This variant is not present in population databases (gnomAD no frequency). This variant has not been reported in the literature in individuals affected with C8A-related conditions. Algorithms developed to predict the effect of missense changes on protein structure and function are either unavailable or do not agree on the potential impact of this missense change (SIFT: "Tolerated"; PolyPhen-2: "Probably Damaging"; Align-GVGD: "Class C0"). In summary, the available evidence is currently insufficient to determine the role of this variant in disease. Therefore, it has been classified as a Variant of Uncertain Significance.